The following is an entry in ClinVar:

ClinVar aggregate classification (germline): Likely benign (1 of 4 stars; one submission).

gnomAD v4.1: 128 of 1,614,188 alleles (0.0079%); highest among the groups gnomAD compares: Admixed American, 0.2%; no homozygotes.

Submission:

CeGaT Center for Human Genetics Tuebingen
Classification: Likely benign. Last evaluated: 2026-07-01. Review status: criteria provided, single submitter. Criteria: CeGaT Center For Human Genetics Tuebingen Variant Classification Criteria Version 2. Collection method: clinical testing. Allele origin: germline. Affected: yes. Observed: 1 variant allele.
Comment: MLIP: BP4, BP7

NM_001281747.2(MLIP):c.498C>T (p.Gly166=)

Genes: MLIP (muscular LMNA interacting protein; plus strand), LOC126859697 (CDK7 strongly-dependent group 2 enhancer GRCh37_chr6:53989184-53990383; plus strand). Cytogenetic location: 6p12.1.
Variant type: single nucleotide variant.
Coding change: c.498C>T on transcript NM_001281747.2 (MANE Select); coding-DNA position 498, C replaced by T.
Protein change: p.Gly166=; no amino-acid change (glycine 166 retained).
Molecular consequence: synonymous variant.
Genome position (GRCh38, 1-based): chr6:54,124,718, C>T. VCF-style: chr6-54124718-C-T. GRCh37 (hg19) VCF-style: chr6-53989516-C-T.
Other names: c.465C>T, p.Gly155= (NM_001281746.2, NM_138569.3).
Identifiers: ClinVar variation 5038881 (VCV005038881.1).